The following is an entry in ClinVar:

ClinVar aggregate classification (germline): Uncertain significance. Review status: criteria provided, multiple submitters, no conflicts (2 of 4 stars). 3 submissions from 3 submitters: Uncertain significance (2). 1 of the submissions does not count toward it. Last evaluated 2024-08-27.

Conditions:
Inborn genetic diseases. Identifiers: MedGen C0950123, MeSH D030342.
Retinitis pigmentosa 25 (RP25). Identifiers: Orphanet 791, MedGen C1864446, MONDO:0011272, OMIM 602772.

Allele frequency attached by ClinVar (database versions not stated): gnomAD exomes 0.00001.
gnomAD v4.1: 15 of 1,551,668 alleles (0.00097%); highest among the groups gnomAD compares: Non-Finnish European, 0.0011%; no homozygotes.

Submissions (3):

Ambry Genetics
Classification: Uncertain significance for Inborn genetic diseases. Last evaluated: 2024-08-27. Review status: criteria provided, single submitter. Criteria: Ambry Variant Classification Scheme 2023. Collection method: clinical testing. Allele origin: germline.

Labcorp Genetics (formerly Invitae), Labcorp
Classification: Uncertain significance. Last evaluated: 2022-10-28. Review status: criteria provided, single submitter. Criteria: Invitae Variant Classification Sherloc (09022015). Collection method: clinical testing. Allele origin: germline.
Comment: This sequence change replaces lysine, which is basic and polar, with glutamic acid, which is acidic and polar, at codon 2951 of the EYS protein (p.Lys2951Glu). This variant is present in population databases (no rsID available, gnomAD 0.002%). This missense change has been observed in individual(s) with clinical features of retinitis pigmentosa (Invitae). ClinVar contains an entry for this variant (Variation ID: 966616). Algorithms developed to predict the effect of missense changes on protein structure and function output the following: SIFT: "Tolerated"; PolyPhen-2: "Benign"; Align-GVGD: "Class C0". The glutamic acid amino acid residue is found in multiple mammalian species, which suggests that this missense change does not adversely affect protein function. In summary, the available evidence is currently insufficient to determine the role of this variant in disease. Therefore, it has been classified as a Variant of Uncertain Significance.

Natera, Inc.
Classification: Uncertain significance for Retinitis pigmentosa type 25. Last evaluated: 2021-09-14. Review status: no assertion criteria provided. Collection method: clinical testing. Allele origin: germline. Not counted in ClinVar's aggregate classification.

NM_001142800.2(EYS):c.8851A>G (p.Lys2951Glu)

Genes: EYS (eyes shut homolog; minus strand), PHF3 (PHD finger protein 3; plus strand). Cytogenetic location: 6q12.
Variant type: single nucleotide variant.
Coding change: c.8851A>G on transcript NM_001142800.2 (MANE Select); coding-DNA position 8851, A replaced by G.
Protein change: p.Lys2951Glu; replaces lysine 2951 with glutamic acid.
Molecular consequence: missense variant. On other transcripts: 3 prime UTR variant (5).
Genome position (GRCh38, 1-based): chr6:63,721,180, T>C on the plus strand (A>G on the coding strand, the complement: EYS is on the minus strand). VCF-style: chr6-63721180-T-C. GRCh37 (hg19) VCF-style: chr6-64431076-T-C.
Other names: c.*7472T>C (NM_001290259.2, NM_001370348.2, NM_001370349.2 and 2 more transcripts); c.8914A>G, p.Lys2972Glu (NM_001292009.2); short protein forms K2951E, K2972E.
Identifiers: ClinVar variation 966616 (VCV000966616.9), dbSNP rs1186427936, ClinGen allele CA364383831.